The following is an entry in ClinVar:

NM_007294.4(BRCA1):c.5346G>C (p.Trp1782Cys)

Gene: BRCA1 (BRCA1 DNA repair associated; minus strand). Cytogenetic location: 17q21.31.
Variant type: single nucleotide variant.
Coding change: c.5346G>C on transcript NM_007294.4 (MANE Select); coding-DNA position 5346, G replaced by C.
Protein change: p.Trp1782Cys; replaces tryptophan 1782 with cysteine.
Molecular consequence: missense variant. On other transcripts: non-coding transcript variant (1), intron variant (1).
Genome position (GRCh38, 1-based): chr17:43,049,181, C>G on the plus strand (G>C on the coding strand, the complement: BRCA1 is on the minus strand). VCF-style: chr17-43049181-C-G. GRCh37 (hg19) VCF-style: chr17-41201198-C-G.
Other names: c.5133G>C, p.Trp1711Cys (NM_001407571.1, NM_001407894.1, NM_001407908.1 and 12 more transcripts); c.5412G>C, p.Trp1804Cys (NM_001407581.1, NM_001407582.1); c.5409G>C, p.Trp1803Cys (NM_001407583.1, NM_001407585.1, NM_001407587.1 and 1 more transcripts); c.5406G>C, p.Trp1802Cys (NM_001407590.1, NM_001407591.1); c.5346G>C, p.Trp1782Cys (NM_001407593.1, NM_001407594.1, NM_001407596.1 and 5 more transcripts); c.5343G>C, p.Trp1781Cys (NM_001407610.1, NM_001407611.1, NM_001407612.1 and 14 more transcripts); c.5340G>C, p.Trp1780Cys (NM_001407628.1, NM_001407629.1, NM_001407630.1 and 13 more transcripts); c.5289G>C, p.Trp1763Cys (NM_001407648.1); and 73 more; short protein forms W1735C, W1782C, W678C, W1803C, W1653C, W1670C, W1692C, W1693C.
Identifiers: ClinVar variation 865368 (VCV000865368.11), dbSNP rs80357284, ClinGen allele CA10590771.

ClinVar aggregate classification (germline): Uncertain significance (1 of 4 stars; one submission).

Conditions:
Hereditary breast ovarian cancer syndrome. Also called: Hereditary breast and/or ovarian cancer syndrome; BRCA1- and BRCA2-Associated Hereditary Breast and Ovarian Cancer; Hereditary breast and ovarian cancer syndrome; Hereditary breast and ovarian cancer; Hereditary breast and ovarian cancer syndrome (HBOC); Breast and ovarian cancer. Identifiers: Orphanet 145, MedGen C0677776, MeSH D061325, MONDO:0003582. Disease mechanism: loss of function.

Submissions (2):

Labcorp Genetics (formerly Invitae), Labcorp
Classification: Uncertain significance for Hereditary breast ovarian cancer syndrome. Last evaluated: 2025-11-10. Review status: criteria provided, single submitter. Criteria: Invitae Variant Classification Sherloc (09022015). Collection method: clinical testing. Allele origin: germline.
Comment: This sequence change replaces tryptophan, which is neutral and slightly polar, with cysteine, which is neutral and slightly polar, at codon 1782 of the BRCA1 protein (p.Trp1782Cys). This variant is not present in population databases (gnomAD no frequency). This variant has not been reported in the literature in individuals affected with BRCA1-related conditions. ClinVar contains an entry for this variant (Variation ID: 865368). Invitae Evidence Modeling incorporating data from in vitro experimental studies (PMID: 30209399) indicates that this missense variant is not expected to disrupt BRCA1 function with a negative predictive value of 95%. Experimental studies have shown that this missense change does not substantially affect BRCA1 function (PMID: 23867111, 30209399). In summary, the available evidence is currently insufficient to determine the role of this variant in disease. Therefore, it has been classified as a Variant of Uncertain Significance.

Brotman Baty Institute, University of Washington
No classification provided (evidence only). Condition: Breast-ovarian cancer, familial 1. Review status: no classification provided. Collection method: in vitro. Allele origin: not applicable. Functional consequence: functionally_abnormal. Not counted in ClinVar's aggregate classification.
ClinVar note: "not provided" was previously submitted as the classification for the variant. However, the classification appeared to be based only on an observation of functional data so it was converted to no classification on 2025-07-30.

Literature cited by the submitters: PubMed 30209399 (cited by Labcorp Genetics (formerly Invitae), Labcorp); PubMed 23867111 (cited by Labcorp Genetics (formerly Invitae), Labcorp).